The following is an entry in ClinVar:

ClinVar aggregate classification (germline): Uncertain significance. Review status: criteria provided, multiple submitters, no conflicts (2 of 4 stars). 3 submissions from 3 submitters: Uncertain significance (3). Last evaluated 2024-05-03.

Conditions:
Severe combined immunodeficiency, autosomal recessive, T cell-negative, B cell-negative, NK cell-positive. Also called: SCID, T CELL-NEGATIVE, B CELL-NEGATIVE, NK CELL-POSITIVE; Severe combined immunodeficiency due to complete RAG1/2 deficiency; SCID, AR, T-cell negative, B-cell negative, NK cell-positive. Identifiers: Orphanet 331206, MedGen C1832322, MONDO:0011086, OMIM 601457.
Combined immunodeficiency with skin granulomas. Identifiers: Orphanet 157949, MedGen C2673536, MONDO:0009306, OMIM 233650.
Histiocytic medullary reticulosis. Also called: SEVERE COMBINED IMMUNODEFICIENCY WITH HYPEREOSINOPHILIA; Omenn syndrome. Identifiers: Orphanet 39041, MedGen C2700553, MONDO:0011338, OMIM 603554.

Allele frequency attached by ClinVar (database versions not stated): ExAC 0.00004; TOPMed 0.00004; ESP Exome Variant Server 0.00015.

Submissions (3):

Blueprint Genetics
Classification: Uncertain significance. Last evaluated: 2024-05-03. Review status: criteria provided, single submitter. Criteria: ACMG Guidelines, 2015. Collection method: clinical testing. Allele origin: germline.

Labcorp Genetics (formerly Invitae), Labcorp
Classification: Uncertain significance for Combined immunodeficiency with skin granulomas; Severe combined immunodeficiency, autosomal recessive, T cell-negative, B cell-negative, NK cell-positive. Last evaluated: 2022-06-27. Review status: criteria provided, single submitter. Criteria: Invitae Variant Classification Sherloc (09022015). Collection method: clinical testing. Allele origin: germline.
Comment: This sequence change replaces asparagine, which is neutral and polar, with threonine, which is neutral and polar, at codon 823 of the RAG1 protein (p.Asn823Thr). This variant is present in population databases (rs147656090, gnomAD 0.006%). This variant has not been reported in the literature in individuals affected with RAG1-related conditions. ClinVar contains an entry for this variant (Variation ID: 949181). Advanced modeling of protein sequence and biophysical properties (such as structural, functional, and spatial information, amino acid conservation, physicochemical variation, residue mobility, and thermodynamic stability) performed at Invitae indicates that this missense variant is not expected to disrupt RAG1 protein function. In summary, the available evidence is currently insufficient to determine the role of this variant in disease. Therefore, it has been classified as a Variant of Uncertain Significance.

Department of Pathology and Laboratory Medicine, Sinai Health System
Classification: Uncertain significance for Combined immunodeficiency with skin granulomas; Severe combined immunodeficiency, autosomal recessive, T cell-negative, B cell-negative, NK cell-positive; Histiocytic medullary reticulosis. Last evaluated: 2022-01-26. Review status: criteria provided, single submitter. Criteria: ACMG Guidelines, 2015. Collection method: research. Allele origin: germline.

NM_000448.3(RAG1):c.2468A>C (p.Asn823Thr)

Gene: RAG1 (recombination activating 1; plus strand). Cytogenetic location: 11p12.
Variant type: single nucleotide variant.
Coding change: c.2468A>C on transcript NM_000448.3 (MANE Select); coding-DNA position 2468, A replaced by C.
Protein change: p.Asn823Thr; replaces asparagine 823 with threonine.
Molecular consequence: missense variant.
Genome position (GRCh38, 1-based): chr11:36,575,772, A>C. VCF-style: chr11-36575772-A-C. GRCh37 (hg19) VCF-style: chr11-36597322-A-C.
Other names: c.2468A>C, p.Asn823Thr (NM_001377277.1, NM_001377278.1, NM_001377279.1 and 1 more transcripts); short protein forms N823T.
Identifiers: ClinVar variation 949181 (VCV000949181.7), dbSNP rs147656090, ClinGen allele CA5950268.